The following is an entry in ClinVar:

ClinVar aggregate classification (germline): Uncertain significance (1 of 4 stars; one submission).

Allele frequency attached by ClinVar (database versions not stated): ExAC 0.00001; gnomAD 0.00001 and 0.00002; TOPMed 0.00001; 1000 Genomes Project 0.00020; 1000 Genomes Project 30x 0.00031; gnomAD exomes below 0.00001.
gnomAD v4.1: 6 of 1,613,900 alleles (0.00037%); highest among the groups gnomAD compares: African/African-American, 0.0027%; no homozygotes.

Submission:

Labcorp Genetics (formerly Invitae), Labcorp
Classification: Uncertain significance. Last evaluated: 2024-05-02. Review status: criteria provided, single submitter. Criteria: Invitae Variant Classification Sherloc (09022015). Collection method: clinical testing. Allele origin: germline.
Comment: This sequence change replaces isoleucine, which is neutral and non-polar, with valine, which is neutral and non-polar, at codon 450 of the CLCN6 protein (p.Ile450Val). This variant is present in population databases (rs200128570, gnomAD 0.007%). This variant has not been reported in the literature in individuals affected with CLCN6-related conditions. ClinVar contains an entry for this variant (Variation ID: 1437715). An algorithm developed to predict the effect of missense changes on protein structure and function (PolyPhen-2) suggests that this variant is likely to be disruptive. In summary, the available evidence is currently insufficient to determine the role of this variant in disease. Therefore, it has been classified as a Variant of Uncertain Significance.

NM_001286.5(CLCN6):c.1348A>G (p.Ile450Val)

Gene: CLCN6 (chloride voltage-gated channel 6; plus strand). Cytogenetic location: 1p36.22.
Variant type: single nucleotide variant.
Coding change: c.1348A>G on transcript NM_001286.5 (MANE Select); coding-DNA position 1348, A replaced by G.
Protein change: p.Ile450Val; replaces isoleucine 450 with valine.
Molecular consequence: missense variant. On other transcripts: non-coding transcript variant (1).
Genome position (GRCh38, 1-based): chr1:11,833,614, A>G. VCF-style: chr1-11833614-A-G. GRCh37 (hg19) VCF-style: chr1-11893671-A-G.
Other names: c.1282A>G, p.Ile428Val (NM_001256959.2); short protein forms I428V, I450V.
Identifiers: ClinVar variation 1437715 (VCV001437715.8), dbSNP rs200128570, ClinGen allele CA596431.